The following is an entry in ClinVar:

ClinVar aggregate classification (germline): Benign/Likely benign. Review status: criteria provided, multiple submitters, no conflicts (2 of 4 stars). 7 submissions from 7 submitters: Benign (1); Likely benign (5). 1 of the submissions does not count toward it. Last evaluated 2026-01-27.

Conditions:
Malignant tumor of breast. Also called: Malignant breast neoplasm; Cancer breast. Identifiers: MedGen C0006142, MONDO:0007254. Disease mechanism: loss of function.
Hereditary cancer-predisposing syndrome. Also called: Hereditary neoplastic syndrome; Tumor predisposition; Neoplastic Syndromes, Hereditary; Hereditary Cancer Syndrome. Identifiers: Orphanet 140162, MedGen C0027672, MeSH D009386, MONDO:0015356.
Familial cancer of breast. Also called: Hereditary breast cancer; BREAST CANCER, FAMILIAL; hereditary breast carcinoma. Identifiers: Orphanet 227535, MedGen C0346153, MONDO:0016419, OMIM 114480. Disease mechanism: loss of function.
Fanconi anemia complementation group J. Also called: BRIP1-Related Fanconi Anemia. Identifiers: Orphanet 84, MedGen C1836860, MONDO:0012187, OMIM 609054.

Allele frequency attached by ClinVar (database versions not stated): gnomAD exomes below 0.00001 and 0.00001; TOPMed 0.00001.
gnomAD v4.1: 6 of 1,613,216 alleles (0.00037%); highest among the groups gnomAD compares: Admixed American, 0.0017%; no homozygotes.

Submissions (7):

Labcorp Genetics (formerly Invitae), Labcorp
Classification: Likely benign for Familial cancer of breast; Fanconi anemia complementation group J. Last evaluated: 2026-01-27. Review status: criteria provided, single submitter. Criteria: Invitae Variant Classification Sherloc (09022015). Collection method: clinical testing. Allele origin: germline.

Myriad Genetics, Inc.
Classification: Benign for Familial cancer of breast. Last evaluated: 2024-08-28. Review status: criteria provided, single submitter. Criteria: Myriad Autosomal Dominant, Autosomal Recessive and X-Linked Classification Criteria (2023). Collection method: clinical testing. Allele origin: unknown.
Comment: This variant is considered benign. This variant is a silent/synonymous amino acid change and it is not expected to impact splicing.

Quest Diagnostics Nichols Institute San Juan Capistrano
Classification: Likely benign. Last evaluated: 2018-10-26. Review status: criteria provided, single submitter. Criteria: Quest Diagnostics criteria. Collection method: clinical testing. Allele origin: unknown.

Color Diagnostics, LLC DBA Color Health
Classification: Likely benign for Hereditary cancer-predisposing syndrome. Last evaluated: 2017-06-20. Review status: criteria provided, single submitter. Criteria: ACMG Guidelines, 2015. Collection method: clinical testing. Allele origin: germline.

GeneDx
Classification: Likely benign. Last evaluated: 2017-04-10. Review status: criteria provided, single submitter. Criteria: GeneDx Variant Classification (06012015). Collection method: clinical testing. Allele origin: germline. Affected: yes.
Comment: This variant is considered likely benign or benign based on one or more of the following criteria: it is a conservative change, it occurs at a poorly conserved position in the protein, it is predicted to be benign by multiple in silico algorithms, and/or has population frequency not consistent with disease.

Ambry Genetics
Classification: Likely benign for Hereditary cancer-predisposing syndrome. Last evaluated: 2015-08-05. Review status: criteria provided, single submitter. Criteria: Ambry Variant Classification Scheme 2023. Collection method: clinical testing. Allele origin: germline.

Department of Pathology and Laboratory Medicine, Sinai Health System
Classification: Likely benign for Malignant tumor of breast. Review status: no assertion criteria provided. Collection method: clinical testing. Allele origin: unknown. Affected: yes. Study: The Canadian Open Genetics Repository (COGR). Not counted in ClinVar's aggregate classification.
Comment: The BRIP1 p.Ser522= variant was not identified in the literature nor was it identified in the Cosmic, Zhejiang University Database. The variant was identified in dbSNP (ID: rs985465808) as With Likely benign allele, and in ClinVar (classified as likely benign by GeneDx, Invitae, Ambry Genetics, Color Genomics). The variant was identified in control databases in 1 of 246166 chromosomes at a frequency of 0.000004 (Genome Aggregation Database Feb 27, 2017). It was observed in the African population in 1 of 15300 chromosomes (freq: 0.0001), but not in the â€šÃ„ÃºOtherâ€šÃ„Ã¹, Latino, European, Ashkenazi Jewish, East Asian, Finnish, and South Asian populations. The p.Ser522 variant is not expected to have clinical significance because it does not result in a change of amino acid and is not located in a known consensus splice site. In addition, in silico or computational prediction software programs (SpliceSiteFinder, MaxEntScan, NNSPLICE, GeneSplicer, HumanSpliceFinder) do not predict a difference in splicing. In summary, based on the above information, the clinical significance of this variant cannot be determined with certainty at this time although we would lean towards a more benign role for this variant. This variant is classified as likely benign.

NM_032043.3(BRIP1):c.1566A>G (p.Ser522=)

Gene: BRIP1 (BRCA1 interacting DNA helicase 1; minus strand). Cytogenetic location: 17q23.2.
Variant type: single nucleotide variant.
Coding change: c.1566A>G on transcript NM_032043.3 (MANE Select); coding-DNA position 1566, A replaced by G.
Protein change: p.Ser522=; no amino-acid change (serine 522 retained).
Molecular consequence: synonymous variant.
Genome position (GRCh38, 1-based): chr17:61,784,332, T>C on the plus strand (A>G on the coding strand, the complement: BRIP1 is on the minus strand). VCF-style: chr17-61784332-T-C. GRCh37 (hg19) VCF-style: chr17-59861693-T-C.
Identifiers: ClinVar variation 377593 (VCV000377593.24), dbSNP rs985465808, ClinGen allele CA16608572.
Genomic context (GRCh38, chr17:61,784,332, plus strand): 5'-GCTATTTTGCCTAAAAAGATAGTCAAGTACCATAAAAAGTCCTTTAAGCATTATTTGAGT[T>C]GATGCACTAATAACAGGTACTTCTCTTGCCTCCTCTTTACCATAAATTGGTGAGATTTTT-3'
Protein context (NP_114432.2, residues 512-532): EAREVPVISA[Ser522=]TQIMLKGLFM